The following is an entry in ClinVar:

ClinVar aggregate classification (germline): Uncertain significance (1 of 4 stars; one submission).

Submission:

Ambry Genetics
Classification: Uncertain significance. Last evaluated: 2023-06-18. Review status: criteria provided, single submitter. Criteria: Ambry Variant Classification Scheme 2023. Collection method: clinical testing. Allele origin: germline.
Comment: The p.K1682N variant (also known as c.5046A>T), located in coding exon 4 of the ALPK2 gene, results from an A to T substitution at nucleotide position 5046. The lysine at codon 1682 is replaced by asparagine, an amino acid with similar properties. This amino acid position is conserved. In addition, this alteration is predicted to be tolerated by in silico analysis. Since supporting evidence is limited at this time, the clinical significance of this alteration remains unclear.

NM_052947.4(ALPK2):c.5046A>T (p.Lys1682Asn)

Genes: ALPK2 (alpha kinase 2; minus strand), LOC130062577 (ATAC-STARR-seq lymphoblastoid active region 13389; plus strand). Cytogenetic location: 18q21.31.
Variant type: single nucleotide variant.
Coding change: c.5046A>T on transcript NM_052947.4 (MANE Select); coding-DNA position 5046, A replaced by T.
Protein change: p.Lys1682Asn; replaces lysine 1682 with asparagine.
Molecular consequence: missense variant.
Genome position (GRCh38, 1-based): chr18:58,535,141, T>A on the plus strand (A>T on the coding strand, the complement: ALPK2 is on the minus strand). VCF-style: chr18-58535141-T-A. GRCh37 (hg19) VCF-style: chr18-56202373-T-A.
Other names: short protein forms K1682N.
Identifiers: ClinVar variation 2625971 (VCV002625971.2), dbSNP rs2518873584, ClinGen allele CA402558614.